The following is an entry in ClinVar:

ClinVar aggregate classification (germline): Likely benign (1 of 4 stars; one submission).

gnomAD v4.1: 117 of 1,614,190 alleles (0.0072%); highest among the groups gnomAD compares: Non-Finnish European, 0.0093%; no homozygotes.

Submission:

CeGaT Center for Human Genetics Tuebingen
Classification: Likely benign. Last evaluated: 2026-09-01. Review status: criteria provided, single submitter. Criteria: CeGaT Center For Human Genetics Tuebingen Variant Classification Criteria Version 2. Collection method: clinical testing. Allele origin: germline. Affected: yes. Observed: 1 variant allele.
Comment: ANGPT2: BP4, BP7

NM_001118887.2(ANGPT2):c.1410C>T (p.Gly470=)

Genes: ANGPT2 (angiopoietin 2; minus strand), MCPH1 (microcephalin 1; plus strand). Cytogenetic location: 8p23.1.
Variant type: single nucleotide variant.
Coding change: c.1410C>T on transcript NM_001118887.2 (MANE Select); coding-DNA position 1410, C replaced by T.
Protein change: p.Gly470=; no amino-acid change (glycine 470 retained).
Molecular consequence: synonymous variant. On other transcripts: 3 prime UTR variant (2), intron variant (6).
Genome position (GRCh38, 1-based): chr8:6,503,179, G>A on the plus strand (C>T on the coding strand, the complement: ANGPT2 is on the minus strand). VCF-style: chr8-6503179-G-A. GRCh37 (hg19) VCF-style: chr8-6360700-G-A.
Other names: c.1257C>T, p.Gly419= (NM_001118888.2); c.1413C>T, p.Gly471= (NM_001147.3); c.1254C>T, p.Gly418= (NM_001386335.1); c.*70C>T (NM_001386336.1, NM_001386337.1); c.2214+3250G>A (NM_001322042.2, NM_024596.5, NM_001363979.1 and 2 more transcripts); c.1935+47927G>A (NM_001363980.2).
Identifiers: ClinVar variation 5040856 (VCV005040856.1).
Genomic context (GRCh38, chr8:6,503,179, plus strand): 5'-GATCATCATGGTTGTGGCCTTGAGCGAATAGCCTGAGCCTTTCCAGTAGTACCATTTAAT[G>A]CCGTTGAACTTATTTGTGTTCTGCCTCTGTGGATAGTACATTCCGTTCAAGTTGGAAGGA-3'
Protein context (NP_001112359.1, residues 460-480): PQRQNTNKFN[Gly470=]IKWYYWKGSG